The following is an entry in ClinVar:

ClinVar aggregate classification (germline): Uncertain significance (1 of 4 stars; one submission).

Submission:

Ambry Genetics
Classification: Uncertain significance. Last evaluated: 2025-02-09. Review status: criteria provided, single submitter. Criteria: Ambry Variant Classification Scheme 2023. Collection method: clinical testing. Allele origin: germline.
Comment: The p.P29S variant (also known as c.85C>T), located in coding exon 1 of the TET2 gene, results from a C to T substitution at nucleotide position 85. The proline at codon 29 is replaced by serine, an amino acid with similar properties. This amino acid position is conserved. In addition, this alteration is predicted to be tolerated by in silico analysis. Based on the available evidence, the clinical significance of this variant remains unclear.

NM_001127208.3(TET2):c.85C>T (p.Pro29Ser)

Genes: TET2 (tet methylcytosine dioxygenase 2; plus strand), TET2-AS1 (TET2 antisense RNA 1; minus strand). Cytogenetic location: 4q24.
Variant type: single nucleotide variant.
Coding change: c.85C>T on transcript NM_001127208.3 (MANE Select); coding-DNA position 85, C replaced by T.
Protein change: p.Pro29Ser; replaces proline 29 with serine.
Molecular consequence: missense variant.
Genome position (GRCh38, 1-based): chr4:105,234,027, C>T. VCF-style: chr4-105234027-C-T. GRCh37 (hg19) VCF-style: chr4-106155184-C-T.
Other names: c.85C>T, p.Pro29Ser (NM_017628.4); short protein forms P29S.
Identifiers: ClinVar variation 3806044 (VCV003806044.1).
Genomic context (GRCh38, chr4:105,234,027, plus strand): 5'-GTTGAGGGCAACAGACTAAGTCCATTCCTGATACCATCACCTCCCATTTGCCAGACAGAA[C>T]CTCTGGCTACAAAGCTCCAGAATGGAAGCCCACTGCCTGAGAGAGCTCATCCAGAAGTAA-3'
Protein context (NP_001120680.1, residues 19-39): IPSPPICQTE[Pro29Ser]LATKLQNGSP